The following is an entry in ClinVar:

ClinVar aggregate classification (germline): Uncertain significance (1 of 4 stars; one submission).

Conditions:
TP63-Related Spectrum Disorders.

Submission:

Labcorp Genetics (formerly Invitae), Labcorp
Classification: Uncertain significance. Last evaluated: 2018-09-04. Review status: criteria provided, single submitter. Criteria: Invitae Variant Classification Sherloc (09022015). Collection method: clinical testing. Allele origin: germline.
Comment: In summary, the available evidence is currently insufficient to determine the role of this variant in disease. Therefore, it has been classified as a Variant of Uncertain Significance. Algorithms developed to predict the effect of missense changes on protein structure and function do not agree on the potential impact of this missense change (SIFT: "Deleterious"; PolyPhen-2: "Benign"; Align-GVGD: "Class C65"). This variant has not been reported in the literature in individuals with TP63-related disease. This variant is not present in population databases (ExAC no frequency). This sequence change replaces proline with leucine at codon 348 of the TP63 protein (p.Pro348Leu). The proline residue is highly conserved and there is a moderate physicochemical difference between proline and leucine.

NM_003722.5(TP63):c.1043C>T (p.Pro348Leu)

Gene: TP63 (tumor protein p63; plus strand). Cytogenetic location: 3q28.
Variant type: single nucleotide variant.
Coding change: c.1043C>T on transcript NM_003722.5 (MANE Select); coding-DNA position 1043, C replaced by T.
Protein change: p.Pro348Leu; replaces proline 348 with leucine.
Molecular consequence: missense variant.
Genome position (GRCh38, 1-based): chr3:189,868,630, C>T. VCF-style: chr3-189868630-C-T. GRCh37 (hg19) VCF-style: chr3-189586419-C-T.
Other names: c.1043C>T, p.Pro348Leu (NM_001114978.2, NM_001114979.2, NM_001329144.2 and 1 more transcripts); c.761C>T, p.Pro254Leu (NM_001114980.2, NM_001114981.2, NM_001114982.2 and 2 more transcripts); c.506C>T, p.Pro169Leu (NM_001329146.2, NM_001329150.2); c.1037C>T, p.Pro346Leu (NM_001329964.2); short protein forms P348L, P254L, P169L, P346L.
Identifiers: ClinVar variation 581914 (VCV000581914.5), dbSNP rs1560280393, ClinGen allele CA355755191.